The following is an entry in ClinVar:

ClinVar aggregate classification (germline): Uncertain significance (1 of 4 stars; one submission).

Submission:

GeneDx
Classification: Uncertain significance. Last evaluated: 2019-06-21. Review status: criteria provided, single submitter. Criteria: GeneDx Variant Classification Process June 2021. Collection method: clinical testing. Allele origin: germline. Affected: yes.
Comment: Not observed in large population cohorts (Lek et al., 2016); In silico analysis, which includes protein predictors and evolutionary conservation, supports a deleterious effect; Has not been previously published as pathogenic or benign to our knowledge

NM_025233.7(COASY):c.1292T>C (p.Phe431Ser)

Gene: COASY (Coenzyme A synthase; plus strand). Cytogenetic location: 17q21.2.
Variant type: single nucleotide variant.
Coding change: c.1292T>C on transcript NM_025233.7 (MANE Select); coding-DNA position 1292, T replaced by C.
Protein change: p.Phe431Ser; replaces phenylalanine 431 with serine.
Molecular consequence: missense variant.
Genome position (GRCh38, 1-based): chr17:42,565,037, T>C. VCF-style: chr17-42565037-T-C. GRCh37 (hg19) VCF-style: chr17-40717055-T-C.
Other names: c.1292T>C, p.Phe431Ser (NM_001042529.3); c.1379T>C, p.Phe460Ser (NM_001042532.4); short protein forms F431S, F460S.
Identifiers: ClinVar variation 1306622 (VCV001306622.2), dbSNP rs2143215135, ClinGen allele CA399598714.